The following is an entry in ClinVar:

ClinVar aggregate classification (germline): Likely benign (0 of 4 stars; one submission).

Conditions:
PKD1L1-related disorder. Also called: PKD1L1-related condition.

gnomAD v4.1: 10 of 1,614,016 alleles (0.00062%); highest among the groups gnomAD compares: African/African-American, 0.008%; no homozygotes.

Submission:

PreventionGenetics, part of Exact Sciences
Classification: Likely benign for PKD1L1-related condition. Last evaluated: 2024-08-25. Review status: no assertion criteria provided. Collection method: clinical testing. Allele origin: germline.
Comment: This variant is classified as likely benign based on ACMG/AMP sequence variant interpretation guidelines (Richards et al. 2015 PMID: 25741868, with internal and published modifications).

NM_138295.5(PKD1L1):c.4260C>T (p.Ile1420=)

Gene: PKD1L1 (polycystin 1 like 1, transient receptor potential channel interacting; minus strand). Cytogenetic location: 7p12.3.
Variant type: single nucleotide variant.
Coding change: c.4260C>T on transcript NM_138295.5 (MANE Select); coding-DNA position 4260, C replaced by T.
Protein change: p.Ile1420=; no amino-acid change (isoleucine 1420 retained).
Molecular consequence: synonymous variant.
Genome position (GRCh38, 1-based): chr7:47,858,775, G>A on the plus strand (C>T on the coding strand, the complement: PKD1L1 is on the minus strand). VCF-style: chr7-47858775-G-A. GRCh37 (hg19) VCF-style: chr7-47898373-G-A.
Identifiers: ClinVar variation 3354039 (VCV003354039.1).